The following is an entry in ClinVar:

ClinVar aggregate classification (germline): Pathogenic. Review status: criteria provided, multiple submitters, no conflicts (2 of 4 stars). 6 submissions from 5 submitters: Pathogenic (4). 2 of the submissions do not count toward it. Last evaluated 2026-04-08.

Conditions:
Odontochondrodysplasia 1. Identifiers: Orphanet 166272, MedGen C5542277, MONDO:0100325, OMIM 184260.
Achondrogenesis, type IA (ACG1A). Identifiers: Orphanet 932, Orphanet 93299, MedGen C0265273, MONDO:0008701, OMIM 200600.

Allele frequency attached by ClinVar (database versions not stated): TOPMed 0.00001.
gnomAD v4.1: 11 of 1,611,852 alleles (0.00068%); highest among the groups gnomAD compares: South Asian, 0.0011%; no homozygotes.

Submissions (6):

GeneDx
Classification: Pathogenic. Last evaluated: 2026-04-08. Review status: criteria provided, single submitter. Criteria: GeneDx Variant Classification Process June 2021. Collection method: clinical testing. Allele origin: germline.
Comment: Nonsense variant predicted to result in protein truncation or nonsense mediated decay in a gene for which loss of function is a known mechanism of disease; Not observed at significant frequency in large population cohorts (gnomAD); This variant is associated with the following publications: (PMID: 25525159, 20089971, 30728324)

Genomic Medicine Center of Excellence, King Faisal Specialist Hospital and Research Centre
Classification: Pathogenic for Odontochondrodysplasia 1. Last evaluated: 2025-09-10. Review status: criteria provided, single submitter. Criteria: ACMG Guidelines, 2015. Collection method: clinical testing. Allele origin: germline.

Labcorp Genetics (formerly Invitae), Labcorp
Classification: Pathogenic for Achondrogenesis, type IA. Last evaluated: 2025-08-18. Review status: criteria provided, single submitter. Criteria: Invitae Variant Classification Sherloc (09022015). Collection method: clinical testing. Allele origin: germline.
Comment: This sequence change creates a premature translational stop signal (p.Arg264*) in the TRIP11 gene. It is expected to result in an absent or disrupted protein product. Loss-of-function variants in TRIP11 are known to be pathogenic (PMID: 20089971, 23956106). This variant is not present in population databases (gnomAD no frequency). This premature translational stop signal has been observed in individual(s) with achondrogenesis and/or odontochondrodysplasia (PMID: 20089971, 30728324). ClinVar contains an entry for this variant (Variation ID: 5508). For these reasons, this variant has been classified as Pathogenic.

SIB Swiss Institute of Bioinformatics
Classification: Pathogenic for Odontochondrodysplasia 1. Last evaluated: 2019-06-27. Review status: criteria provided, single submitter. Criteria: ACMG Guidelines, 2015. Collection method: curation. Allele origin: unknown.
Comment: This variant is interpreted as a Pathogenic for Odontochondrodysplasia, autosomal recessive. The following ACMG Tag(s) were applied: PM2, PVS1, PM3.

OMIM
Classification: Pathogenic for ACHONDROGENESIS, TYPE IA. Last evaluated: 2010-01-21. Review status: no assertion criteria provided. Collection method: literature only. Allele origin: germline. Not counted in ClinVar's aggregate classification.

OMIM
Classification: Pathogenic for ODONTOCHONDRODYSPLASIA 1. Last evaluated: 2010-01-21. Review status: no assertion criteria provided. Collection method: literature only. Allele origin: germline. Not counted in ClinVar's aggregate classification.

Literature cited by the submitters: PubMed 20089971 (cited by Labcorp Genetics (formerly Invitae), Labcorp and OMIM); PubMed 23956106 (cited by Labcorp Genetics (formerly Invitae), Labcorp); PubMed 30728324 (cited by 3 submitters).

NM_004239.4(TRIP11):c.790C>T (p.Arg264Ter)

Gene: TRIP11 (thyroid hormone receptor interactor 11; minus strand). Cytogenetic location: 14q32.12.
Variant type: single nucleotide variant.
Coding change: c.790C>T on transcript NM_004239.4 (MANE Select); coding-DNA position 790, C replaced by T.
Protein change: p.Arg264Ter; replaces arginine 264 with a stop codon.
Molecular consequence: nonsense.
Genome position (GRCh38, 1-based): chr14:92,015,729, G>A on the plus strand (C>T on the coding strand, the complement: TRIP11 is on the minus strand). VCF-style: chr14-92015729-G-A. GRCh37 (hg19) VCF-style: chr14-92482073-G-A.
Other names: c.787C>T, p.Arg263Ter (NM_001321851.1); short protein forms R264*, R263*.
Identifiers: ClinVar variation 5508 (VCV000005508.8), dbSNP rs267607138, ClinGen allele CA117560.